The following is an entry in ClinVar:

ClinVar aggregate classification (germline): Uncertain significance. Review status: criteria provided, multiple submitters, no conflicts (2 of 4 stars). 2 submissions from 2 submitters: Uncertain significance (2). Last evaluated 2024-05-31.

Conditions:
Treacher Collins syndrome 1 (TCS1). Also called: TCOF1-Related Treacher Collins Syndrome. Identifiers: Orphanet 861, MedGen CN315775, MONDO:0007944, OMIM 154500.

Allele frequency attached by ClinVar (database versions not stated): TOPMed below 0.00001; gnomAD 0.00001.
gnomAD v4.1: 5 of 1,613,510 alleles (0.00031%); highest among the groups gnomAD compares: Middle Eastern, 0.017%; no homozygotes.

Submissions (2):

GeneDx
Classification: Uncertain significance. Last evaluated: 2024-05-31. Review status: criteria provided, single submitter. Criteria: GeneDx Variant Classification Process June 2021. Collection method: clinical testing. Allele origin: germline. Affected: yes.
Comment: Not observed at significant frequency in large population cohorts (gnomAD); In silico analysis supports that this missense variant has a deleterious effect on protein structure/function; Has not been previously published as pathogenic or benign to our knowledge

Labcorp Genetics (formerly Invitae), Labcorp
Classification: Uncertain significance for Treacher Collins syndrome 1. Last evaluated: 2021-07-14. Review status: criteria provided, single submitter. Criteria: Invitae Variant Classification Sherloc (09022015). Collection method: clinical testing. Allele origin: germline.
Comment: This sequence change replaces glutamic acid with glycine at codon 1453 of the TCOF1 protein (p.Glu1453Gly). The glutamic acid residue is highly conserved and there is a moderate physicochemical difference between glutamic acid and glycine. This variant is not present in population databases (ExAC no frequency). This variant has not been reported in the literature in individuals affected with TCOF1-related conditions. This missense change has been observed in at least one individual who was not affected with TCOF1-related conditions (Invitae). Algorithms developed to predict the effect of missense changes on protein structure and function are either unavailable or do not agree on the potential impact of this missense change (SIFT: "Deleterious"; PolyPhen-2: "Not Available"; Align-GVGD: "Class C0"). In summary, the available evidence is currently insufficient to determine the role of this variant in disease. Therefore, it has been classified as a Variant of Uncertain Significance.

NM_001371623.1(TCOF1):c.4361A>G (p.Glu1454Gly)

Gene: TCOF1 (treacle ribosome biogenesis factor 1; plus strand). Cytogenetic location: 5q32.
Variant type: single nucleotide variant.
Coding change: c.4361A>G on transcript NM_001371623.1 (MANE Select); coding-DNA position 4361, A replaced by G.
Protein change: p.Glu1454Gly; replaces glutamic acid 1454 with glycine.
Molecular consequence: missense variant.
Genome position (GRCh38, 1-based): chr5:150,398,369, A>G. VCF-style: chr5-150398369-A-G. GRCh37 (hg19) VCF-style: chr5-149777932-A-G.
Other names: c.4127A>G, p.Glu1376Gly (NM_000356.4); c.4358A>G, p.Glu1453Gly (NM_001135243.2); c.4247A>G, p.Glu1416Gly (NM_001135244.2); c.4130A>G, p.Glu1377Gly (NM_001135245.2); c.4244A>G, p.Glu1415Gly (NM_001195141.2); short protein forms E1453G, E1376G, E1377G, E1415G, E1416G, E1454G.
Identifiers: ClinVar variation 582289 (VCV000582289.5), dbSNP rs1561543582, ClinGen allele CA361744778.
Genomic context (GRCh38, chr5:150,398,369, plus strand): 5'-AGGATTACCATCTGTTGTTCAGGAACTTTACTTTACTTCCCTTAGGAAAAAAAGACAAAG[A>G]AAAAAAAGAAAAGAAGAAGAAAGCAAAAAAGGCCTCAACCAAAGATTCTGAGTCACCGTC-3'
Protein context (NP_001358552.1, residues 1444-1464): KKSDKRKKDK[Glu1454Gly]KKEKKKKAKK